The following is an entry in ClinVar:

ClinVar aggregate classification (germline): Pathogenic (1 of 4 stars; one submission).

Submission:

GeneDx
Classification: Pathogenic. Last evaluated: 2024-07-15. Review status: criteria provided, single submitter. Criteria: GeneDx Variant Classification Process June 2021. Collection method: clinical testing. Allele origin: germline. Affected: yes.
Comment: Frameshift variant predicted to result in protein truncation or nonsense mediated decay in a gene for which loss of function is a known mechanism of disease; Not observed at significant frequency in large population cohorts (gnomAD); Truncating variants in this gene are considered pathogenic by a well-established clinical consortium and/or database; Has not been previously published as pathogenic or benign to our knowledge

NM_000179.3(MSH6):c.3628_3640del (p.Val1210fs)

Gene: MSH6 (mutS homolog 6; plus strand). Cytogenetic location: 2p16.3.
Variant type: Deletion.
Coding change: c.3628_3640del on transcript NM_000179.3 (MANE Select); coding-DNA positions 3628 to 3640, 13 bases deleted (GTGCTTGTGGATG).
Protein change: p.Val1210fs; shifts the reading frame from valine 1210.
Molecular consequence: frameshift variant. On other transcripts: non-coding transcript variant (5).
Genome position (GRCh38, 1-based): chr2:47,805,689-47,805,701, GTGCTTGTGGATG deleted; deleting any 13 consecutive bases within chr2:47,805,687-47,805,701 gives the same sequence; the c. name uses the placement nearest the transcript's 3' end. VCF-style (leftmost placement, unchanged base first): chr2-47805686-CTGGTGCTTGTGGA-C. GRCh37 (hg19) VCF-style: chr2-48032825-CTGGTGCTTGTGGA-C.
Other names: c.3628_3640delGTGCTTGTGGATG, p.Val1210Asnfs (NM_000179.2); c.3238_3250del, p.Val1080fs (NM_001281492.2); c.2722_2734del, p.Val908fs (NM_001281493.2, NM_001281494.2, NM_001406811.1 and 6 more transcripts); c.3724_3736del, p.Val1242fs (NM_001406795.1, NM_001406802.1); c.3628_3640del, p.Val1210fs (NM_001406796.1, NM_001406800.1, NM_001406808.1 and 1 more transcripts); c.3331_3343del, p.Val1111fs (NM_001406797.1, NM_001406801.1, NM_001406805.1 and 10 more transcripts); c.3454_3466del, p.Val1152fs (NM_001406798.1); c.3103_3115del, p.Val1035fs (NM_001406799.1, NM_001406806.1, NM_001406807.1); and 8 more; short protein forms V1035fs, V1080fs, V1111fs, V1152fs, V1154fs, V1184fs, V1210fs, V1212fs.
Identifiers: ClinVar variation 3573656 (VCV003573656.1).